The following is an entry in ClinVar:

ClinVar aggregate classification (germline): Benign/Likely benign. Review status: criteria provided, multiple submitters, no conflicts (2 of 4 stars). 3 submissions from 3 submitters: Benign (1); Likely benign (2). Last evaluated 2026-07-13.

Conditions:
Hereditary cancer-predisposing syndrome. Also called: Hereditary Cancer Syndrome; Hereditary neoplastic syndrome; Neoplastic Syndromes, Hereditary; Tumor predisposition. Identifiers: Orphanet 140162, MedGen C0027672, MeSH D009386, MONDO:0015356.
Rhabdoid tumor predisposition syndrome 2 (RTPS2). Identifiers: Orphanet 231108, Orphanet 69077, MedGen C2750074, MONDO:0013224, OMIM 613325.

Allele frequency attached by ClinVar (database versions not stated): gnomAD exomes below 0.00001.
gnomAD v4.1: 1 of 1,613,474 alleles (0.000062%); highest among the groups gnomAD compares: East Asian, 0.0022%; no homozygotes.

Submissions (3):

Myriad Genetics, Inc.
Classification: Benign for Rhabdoid tumor predisposition syndrome 2. Last evaluated: 2026-07-13. Review status: criteria provided, single submitter. Criteria: Myriad Autosomal Dominant, Autosomal Recessive and X-Linked Classification Criteria (2023). Collection method: clinical testing. Allele origin: unknown.
Comment: This variant is considered benign. This variant is a silent/synonymous amino acid change and it is not expected to impact splicing.

Ambry Genetics
Classification: Likely benign for Hereditary cancer-predisposing syndrome. Last evaluated: 2025-09-20. Review status: criteria provided, single submitter. Criteria: Ambry Variant Classification Scheme 2023. Collection method: clinical testing. Allele origin: germline.

Labcorp Genetics (formerly Invitae), Labcorp
Classification: Likely benign for Rhabdoid tumor predisposition syndrome 2. Last evaluated: 2024-10-15. Review status: criteria provided, single submitter. Criteria: Invitae Variant Classification Sherloc (09022015). Collection method: clinical testing. Allele origin: germline.

NM_003072.5(SMARCA4):c.2058G>A (p.Glu686=)

Gene: SMARCA4 (SWI/SNF related BAF chromatin remodeling complex subunit ATPase 4; plus strand). Cytogenetic location: 19p13.2.
Variant type: single nucleotide variant.
Coding change: c.2058G>A on transcript NM_003072.5 (MANE Select); coding-DNA position 2058, G replaced by A.
Protein change: p.Glu686=; no amino-acid change (glutamic acid 686 retained).
Molecular consequence: synonymous variant. On other transcripts: non-coding transcript variant (1).
Genome position (GRCh38, 1-based): chr19:11,007,958, G>A. VCF-style: chr19-11007958-G-A. GRCh37 (hg19) VCF-style: chr19-11118634-G-A.
Other names: c.2058G>A, p.Glu686= (NM_001128844.3, NM_001128845.2, NM_001128846.2 and 5 more transcripts); c.2058G>A (NM_001128849.1).
Identifiers: ClinVar variation 1101934 (VCV001101934.11), dbSNP rs1461330572, ClinGen allele CA505486780.